The following is an entry in ClinVar:

NM_006269.2(RP1):c.2766C>A (p.Asn922Lys)

Gene: RP1 (RP1 axonemal microtubule associated; plus strand). Cytogenetic location: 8q12.1.
Variant type: single nucleotide variant.
Coding change: c.2766C>A on transcript NM_006269.2 (MANE Select); coding-DNA position 2766, C replaced by A.
Protein change: p.Asn922Lys; replaces asparagine 922 with lysine.
Molecular consequence: missense variant. On other transcripts: intron variant (1).
Genome position (GRCh38, 1-based): chr8:54,626,648, C>A. VCF-style: chr8-54626648-C-A. GRCh37 (hg19) VCF-style: chr8-55539208-C-A.
Other names: c.787+4360C>A (NM_001375654.1); short protein forms N922K.
Identifiers: ClinVar variation 2768110 (VCV002768110.3), dbSNP rs1364195989, ClinGen allele CA370994580.

ClinVar aggregate classification (germline): Uncertain significance (1 of 4 stars; one submission).

Submission:

Labcorp Genetics (formerly Invitae), Labcorp
Classification: Uncertain significance. Last evaluated: 2023-10-13. Review status: criteria provided, single submitter. Criteria: Invitae Variant Classification Sherloc (09022015). Collection method: clinical testing. Allele origin: germline.
Comment: This sequence change replaces asparagine, which is neutral and polar, with lysine, which is basic and polar, at codon 922 of the RP1 protein (p.Asn922Lys). This variant is not present in population databases (gnomAD no frequency). This variant has not been reported in the literature in individuals affected with RP1-related conditions. An algorithm developed to predict the effect of missense changes on protein structure and function (PolyPhen-2) suggests that this variant is likely to be disruptive. In summary, the available evidence is currently insufficient to determine the role of this variant in disease. Therefore, it has been classified as a Variant of Uncertain Significance.